The following is an entry in ClinVar:

ClinVar aggregate classification (germline): Uncertain significance (1 of 4 stars; one submission).

Conditions:
Hereditary nonpolyposis colorectal neoplasms. Identifiers: MedGen C0009405, MeSH D003123.

Submission:

Labcorp Genetics (formerly Invitae), Labcorp
Classification: Uncertain significance for Hereditary nonpolyposis colorectal neoplasms. Last evaluated: 2023-05-05. Review status: criteria provided, single submitter. Criteria: Invitae Variant Classification Sherloc (09022015). Collection method: clinical testing. Allele origin: germline.
Comment: In summary, the available evidence is currently insufficient to determine the role of this variant in disease. Therefore, it has been classified as a Variant of Uncertain Significance. Advanced modeling of protein sequence and biophysical properties (such as structural, functional, and spatial information, amino acid conservation, physicochemical variation, residue mobility, and thermodynamic stability) performed at Invitae indicates that this missense variant is not expected to disrupt PMS2 protein function. This variant has not been reported in the literature in individuals affected with PMS2-related conditions. This variant is not present in population databases (gnomAD no frequency). This sequence change replaces proline, which is neutral and non-polar, with threonine, which is neutral and polar, at codon 442 of the PMS2 protein (p.Pro442Thr).

NM_000535.7(PMS2):c.1324C>A (p.Pro442Thr)

Gene: PMS2 (PMS1 homolog 2, mismatch repair system component; minus strand). Cytogenetic location: 7p22.1.
Variant type: single nucleotide variant.
Coding change: c.1324C>A on transcript NM_000535.7 (MANE Select); coding-DNA position 1324, C replaced by A.
Protein change: p.Pro442Thr; replaces proline 442 with threonine.
Molecular consequence: missense variant. On other transcripts: non-coding transcript variant (1), intron variant (1).
Genome position (GRCh38, 1-based): chr7:5,987,441, G>T on the plus strand (C>A on the coding strand, the complement: PMS2 is on the minus strand). VCF-style: chr7-5987441-G-T. GRCh37 (hg19) VCF-style: chr7-6027072-G-T.
Other names: c.919C>A, p.Pro307Thr (NM_001322005.2, NM_001018040.1, NM_001322003.2 and 17 more transcripts); c.1168C>A, p.Pro390Thr (NM_001322006.2, NM_001406870.1); c.1006C>A, p.Pro336Thr (NM_001322007.2, NM_001322008.2, NM_001406883.1 and 2 more transcripts); c.763C>A, p.Pro255Thr (NM_001322010.2, NM_001406906.1, NM_001406907.1); c.391C>A, p.Pro131Thr (NM_001322011.2, NM_001322012.2); c.751C>A, p.Pro251Thr (NM_001322013.2, NM_001406909.1); c.1324C>A, p.Pro442Thr (NM_001322014.2, NM_001406871.1, NM_001406872.1); c.1015C>A, p.Pro339Thr (NM_001322015.2, NM_001406881.1, NM_001406882.1 and 5 more transcripts); and 13 more; short protein forms P131T, P255T, P287T, P320T, P376T, P386T, P406T, P185T.
Identifiers: ClinVar variation 2852570 (VCV002852570.3), dbSNP rs1783134322, ClinGen allele CA366742334.